The following is an entry in ClinVar:

ClinVar aggregate classification (germline): Benign. Review status: criteria provided, multiple submitters, no conflicts (2 of 4 stars). 2 submissions from 2 submitters: Benign (2). Last evaluated 2018-06-14.

Allele frequency attached by ClinVar (database versions not stated): 1000 Genomes Project 0.02516; TOPMed 0.03888; gnomAD 0.04076 and 0.04129; gnomAD exomes 0.04521.
gnomAD v4.1: 42,791 of 955,404 alleles (4.5%); highest among the groups gnomAD compares: Middle Eastern, 10%; 1,265 homozygotes.

Submissions (2):

GeneDx
Classification: Benign. Last evaluated: 2018-06-14. Review status: criteria provided, single submitter. Criteria: GeneDx Variant Classification (06012015). Collection method: clinical testing. Allele origin: germline. Affected: yes.
Comment: This variant is considered likely benign or benign based on one or more of the following criteria: it is a conservative change, it occurs at a poorly conserved position in the protein, it is predicted to be benign by multiple in silico algorithms, and/or has population frequency not consistent with disease.

Breakthrough Genomics
Classification: Benign. Review status: criteria provided, single submitter. Criteria: ACMG Guidelines, 2015. Collection method: not provided. Allele origin: germline. Inheritance: Autosomal dominant inheritance. Affected: yes.

NM_001148.6(ANK2):c.11318+140A>G

Gene: ANK2 (ankyrin 2; plus strand). Cytogenetic location: 4q26.
Variant type: single nucleotide variant.
Coding change: c.11318+140A>G on transcript NM_001148.6 (MANE Select); 140 bases into the intron after coding-DNA position 11318, A replaced by G.
Molecular consequence: intron variant.
Genome position (GRCh38, 1-based): chr4:113,367,991, A>G. VCF-style: chr4-113367991-A-G. GRCh37 (hg19) VCF-style: chr4-114289147-A-G.
Other names: c.5048+140A>G (NM_001386186.2, NM_001386148.2); c.4850+140A>G (NM_001354269.3); c.4928+140A>G (NM_001386187.2); c.4889+140A>G (NM_001386147.1); c.4907+140A>G (NM_001386160.1); c.5012+140A>G (NM_001354254.2); c.5033+140A>G (NM_001354239.2, NM_001354252.2); c.4934+140A>G (NM_001354272.2); and 35 more.
Identifiers: ClinVar variation 672366 (VCV000672366.2), dbSNP rs55966162, ClinGen allele CA11834898.
Genomic context (GRCh38, chr4:113,367,991, plus strand): 5'-CTAGTTTTTAAATACTTTTTAAAATGACCCTACCAAACACAAGTGCCAGAGCTAAAGGGG[A>G]AAAAAAAAGCGTTAACATGTAAGAGACATAATTGTGACAGTGTTTGGGGCACAGACCTAC-3'